The following is an entry in ClinVar:

NM_003072.5(SMARCA4):c.476C>T (p.Pro159Leu)

Gene: SMARCA4 (SWI/SNF related BAF chromatin remodeling complex subunit ATPase 4; plus strand). Cytogenetic location: 19p13.2.
Variant type: single nucleotide variant.
Coding change: c.476C>T on transcript NM_003072.5 (MANE Select); coding-DNA position 476, C replaced by T.
Protein change: p.Pro159Leu; replaces proline 159 with leucine.
Molecular consequence: missense variant. On other transcripts: non-coding transcript variant (1).
Genome position (GRCh38, 1-based): chr19:10,986,309, C>T. VCF-style: chr19-10986309-C-T. GRCh37 (hg19) VCF-style: chr19-11096985-C-T.
Other names: c.476C>T, p.Pro159Leu (NM_001128844.3, NM_001128845.2, NM_001128846.2 and 5 more transcripts); short protein forms P159L.
Identifiers: ClinVar variation 480676 (VCV000480676.6), dbSNP rs747458180, ClinGen allele CA404056078.

ClinVar aggregate classification (germline): Uncertain significance (1 of 4 stars; one submission).

Conditions:
Hereditary cancer-predisposing syndrome. Also called: Hereditary Cancer Syndrome; Neoplastic Syndromes, Hereditary; Tumor predisposition; Hereditary neoplastic syndrome. Identifiers: Orphanet 140162, MedGen C0027672, MeSH D009386, MONDO:0015356.

Submission:

Ambry Genetics
Classification: Uncertain significance for Hereditary cancer-predisposing syndrome. Last evaluated: 2025-08-18. Review status: criteria provided, single submitter. Criteria: Ambry Variant Classification Scheme 2023. Collection method: clinical testing. Allele origin: germline.
Comment: The p.P159L variant (also known as c.476C>T), located in coding exon 3 of the SMARCA4 gene, results from a C to T substitution at nucleotide position 476. The proline at codon 159 is replaced by leucine, an amino acid with similar properties. This amino acid position is well conserved in available vertebrate species. In addition, the in silico prediction for this alteration is inconclusive. Based on the available evidence, the clinical significance of this variant remains unclear.